The following is an entry in ClinVar:

NM_000338.3(SLC12A1):c.2206C>A (p.Gln736Lys)

Gene: SLC12A1 (solute carrier family 12 member 1; plus strand). Cytogenetic location: 15q21.1.
Variant type: single nucleotide variant.
Coding change: c.2206C>A on transcript NM_000338.3 (MANE Select); coding-DNA position 2206, C replaced by A.
Protein change: p.Gln736Lys; replaces glutamine 736 with lysine.
Molecular consequence: missense variant.
Genome position (GRCh38, 1-based): chr15:48,267,612, C>A. VCF-style: chr15-48267612-C-A. GRCh37 (hg19) VCF-style: chr15-48559809-C-A.
Other names: c.2206C>A, p.Gln736Lys (NM_001184832.2, NM_001384136.1); short protein forms Q736K.
Identifiers: ClinVar variation 1491442 (VCV001491442.7), dbSNP rs1175659978, ClinGen allele CA392315090.

ClinVar aggregate classification (germline): Uncertain significance. Review status: criteria provided, multiple submitters, no conflicts (2 of 4 stars). 2 submissions from 2 submitters: Uncertain significance (2). Last evaluated 2022-09-01.

Conditions:
Bartter disease type 1. Also called: Bartter syndrome, type 1, antenatal; HYPOKALEMIC ALKALOSIS WITH HYPERCALCIURIA 1, ANTENATAL; HYPERPROSTAGLANDIN E SYNDROME 1; Bartter Syndrome type 1. Identifiers: Orphanet 112, Orphanet 620217, MedGen C1866495, MONDO:0100344, OMIM 601678, MONDO:0011127.

gnomAD v4.1: 1 of 1,613,604 alleles (0.000062%); highest among the groups gnomAD compares: Non-Finnish European, 0.000085%; no homozygotes.

Submissions (2):

Labcorp Genetics (formerly Invitae), Labcorp
Classification: Uncertain significance. Last evaluated: 2022-09-01. Review status: criteria provided, single submitter. Criteria: Invitae Variant Classification Sherloc (09022015). Collection method: clinical testing. Allele origin: germline.
Comment: In summary, the available evidence is currently insufficient to determine the role of this variant in disease. Therefore, it has been classified as a Variant of Uncertain Significance. This sequence change replaces glutamine, which is neutral and polar, with lysine, which is basic and polar, at codon 736 of the SLC12A1 protein (p.Gln736Lys). This variant is not present in population databases (gnomAD no frequency). This variant has not been reported in the literature in individuals affected with SLC12A1-related conditions. ClinVar contains an entry for this variant (Variation ID: 1491442). Algorithms developed to predict the effect of missense changes on protein structure and function (SIFT, PolyPhen-2, Align-GVGD) all suggest that this variant is likely to be tolerated.

Fulgent Genetics
Classification: Uncertain significance for Bartter disease type 1. Last evaluated: 2021-12-22. Review status: criteria provided, single submitter. Criteria: ACMG Guidelines, 2015. Collection method: clinical testing. Allele origin: unknown.